The following is an entry in ClinVar:

ClinVar aggregate classification (germline): Likely benign (0 of 4 stars; one submission).

Conditions:
KIF4B-related disorder. Also called: KIF4B-related condition.

Allele frequency attached by ClinVar (database versions not stated): ExAC 0.00002; gnomAD exomes 0.00003; ESP Exome Variant Server 0.00008.
gnomAD v4.1: 42 of 1,614,060 alleles (0.0026%); highest among the groups gnomAD compares: Non-Finnish European, 0.0035%; no homozygotes.

Submission:

PreventionGenetics, part of Exact Sciences
Classification: Likely benign for KIF4B-related condition. Last evaluated: 2019-07-12. Review status: no assertion criteria provided. Collection method: clinical testing. Allele origin: germline.
Comment: This variant is classified as likely benign based on ACMG/AMP sequence variant interpretation guidelines (Richards et al. 2015 PMID: 25741868, with internal and published modifications).

NM_001099293.3(KIF4B):c.1152T>C (p.Asn384=)

Gene: KIF4B (kinesin family member 4B; plus strand). Cytogenetic location: 5q33.2.
Variant type: single nucleotide variant.
Coding change: c.1152T>C on transcript NM_001099293.3 (MANE Select); coding-DNA position 1152, T replaced by C.
Protein change: p.Asn384=; no amino-acid change (asparagine 384 retained).
Molecular consequence: synonymous variant.
Genome position (GRCh38, 1-based): chr5:155,015,011, T>C. VCF-style: chr5-155015011-T-C. GRCh37 (hg19) VCF-style: chr5-154394571-T-C.
Identifiers: ClinVar variation 3050221 (VCV003050221.2), dbSNP rs368419766, ClinGen allele CA3529971.